The following is an entry in ClinVar:

NM_201384.3(PLEC):c.6786G>A (p.Thr2262=)

Gene: PLEC (plectin; minus strand). Cytogenetic location: 8q24.3.
Variant type: single nucleotide variant.
Coding change: c.6786G>A on transcript NM_201384.3 (MANE Select); coding-DNA position 6786, G replaced by A.
Protein change: p.Thr2262=; no amino-acid change (threonine 2262 retained).
Molecular consequence: synonymous variant.
Genome position (GRCh38, 1-based): chr8:143,923,143, C>T on the plus strand (G>A on the coding strand, the complement: PLEC is on the minus strand). VCF-style: chr8-143923143-C-T. GRCh37 (hg19) VCF-style: chr8-144997311-C-T.
Other names: c.6867G>A, p.Thr2289= (NM_000445.5); c.6744G>A, p.Thr2248= (NM_201378.4); c.6720G>A, p.Thr2240= (NM_201379.3); c.7197G>A, p.Thr2399= (NM_201380.4); c.6690G>A, p.Thr2230= (NM_201381.3); c.6786G>A, p.Thr2262= (NM_201382.4); c.6798G>A, p.Thr2266= (NM_201383.3).
Identifiers: ClinVar variation 196721 (VCV000196721.35), dbSNP rs373922545, ClinGen allele CA243831.

ClinVar aggregate classification (germline): Conflicting classifications of pathogenicity. Review status: criteria provided, conflicting classifications (1 of 4 stars). 8 submissions from 8 submitters: Uncertain significance (1); Likely benign (5). 2 of the submissions do not count toward it. Last evaluated 2026-02-01.

Conditions:
Epidermolysis bullosa simplex, Ogna type (EBS5A). Also called: Pidermolysis bullosa simplex 5A, Ogna type; EPIDERMOLYSIS BULLOSA SIMPLEX 5A, OGNA TYPE. Identifiers: Orphanet 79401, MedGen C0432317, MONDO:0007555, OMIM 131950.
Epidermolysis bullosa simplex 5C, with pyloric atresia (EBS5C). Also called: PLEC-Related Epidermolysis Bullosa with Pyloric Atresia; Epidermolysis bullosa simplex with pyloric atresia; PLEC1-Related Epidermolysis Bullosa with Pyloric Atresia. Identifiers: Orphanet 158684, MedGen C2677349, MONDO:0012807, OMIM 612138.
Autosomal recessive limb-girdle muscular dystrophy type 2Q (LGMDR17). Also called: MUSCULAR DYSTROPHY, LIMB-GIRDLE, AUTOSOMAL RECESSIVE 17. Identifiers: Orphanet 254361, MedGen C3150989, MONDO:0013390, OMIM 613723.
Epidermolysis bullosa simplex with nail dystrophy (EBS5D). Identifiers: MedGen C4225309, MONDO:0014661, OMIM 616487.
Epidermolysis bullosa simplex 5B, with muscular dystrophy (EBS5B). Also called: EPIDERMOLYSIS BULLOSA SIMPLEX AND LIMB-GIRDLE MUSCULAR DYSTROPHY; Epidermolysis bullosa simplex with muscular dystrophy. Identifiers: Orphanet 257, MedGen C2931072, MONDO:0009181, OMIM 226670.

Allele frequency attached by ClinVar (database versions not stated): TOPMed 0.00012; gnomAD 0.00013 and 0.00014; ExAC 0.00014; gnomAD exomes 0.00016; ESP Exome Variant Server 0.00023.
gnomAD v4.1: 193 of 1,603,182 alleles (0.012%); highest among the groups gnomAD compares: South Asian, 0.053%; 1 homozygote.

Submissions (8):

Labcorp Genetics (formerly Invitae), Labcorp
Classification: Likely benign for Autosomal recessive limb-girdle muscular dystrophy type 2Q; Epidermolysis bullosa simplex, Ogna type; Epidermolysis bullosa simplex with nail dystrophy; Epidermolysis bullosa simplex 5C, with pyloric atresia; Epidermolysis bullosa simplex 5B, with muscular dystrophy. Last evaluated: 2026-02-01. Review status: criteria provided, single submitter. Criteria: Invitae Variant Classification Sherloc (09022015). Collection method: clinical testing. Allele origin: germline.

CeGaT Center for Human Genetics Tuebingen
Classification: Likely benign. Last evaluated: 2024-09-01. Review status: criteria provided, single submitter. Criteria: CeGaT Center For Human Genetics Tuebingen Variant Classification Criteria Version 2. Collection method: clinical testing. Allele origin: germline. Affected: yes. Observed: 1 variant allele.
Comment: PLEC: BP4, BP7

Blueprint Genetics
Classification: Likely benign. Last evaluated: 2024-04-29. Review status: criteria provided, single submitter. Criteria: ACMG Guidelines, 2015. Collection method: clinical testing. Allele origin: germline.

Athena Diagnostics
Classification: Likely benign. Last evaluated: 2021-02-08. Review status: criteria provided, single submitter. Criteria: Athena Diagnostics criteria. Collection method: clinical testing. Allele origin: unknown.

GeneDx
Classification: Likely benign. Last evaluated: 2020-03-23. Review status: criteria provided, single submitter. Criteria: GeneDx Variant Classification Process June 2021. Collection method: clinical testing. Allele origin: germline. Affected: yes.

Eurofins Ntd Llc (ga)
Classification: Uncertain significance. Last evaluated: 2015-05-29. Review status: criteria provided, single submitter. Criteria: EGL Classification Definitions 2015. Collection method: clinical testing. Allele origin: germline. Observed: 4 variant alleles, 4 heterozygotes.

Clinical Genetics DNA and cytogenetics Diagnostics Lab, Erasmus MC, Erasmus Medical Center
Classification: Likely benign. Review status: no assertion criteria provided. Collection method: clinical testing. Allele origin: germline. Affected: yes. Study: VKGL Data-share Consensus. Not counted in ClinVar's aggregate classification.

Laboratory of Diagnostic Genome Analysis, Leiden University Medical Center (LUMC)
Classification: Likely benign. Review status: no assertion criteria provided. Collection method: clinical testing. Allele origin: germline. Affected: yes. Study: VKGL Data-share Consensus. Not counted in ClinVar's aggregate classification.